The following is an entry in ClinVar:

ClinVar aggregate classification (germline): Uncertain significance. Review status: criteria provided, multiple submitters, no conflicts (2 of 4 stars). 2 submissions from 2 submitters: Uncertain significance (2). Last evaluated 2022-07-06.

Allele frequency attached by ClinVar (database versions not stated): ExAC 0.00001.
gnomAD v4.1: 32 of 1,614,026 alleles (0.002%); highest among the groups gnomAD compares: Non-Finnish European, 0.0023%; no homozygotes.

Submissions (2):

Labcorp Genetics (formerly Invitae), Labcorp
Classification: Uncertain significance. Last evaluated: 2022-07-06. Review status: criteria provided, single submitter. Criteria: Invitae Variant Classification Sherloc (09022015). Collection method: clinical testing. Allele origin: germline.
Comment: In summary, the available evidence is currently insufficient to determine the role of this variant in disease. Therefore, it has been classified as a Variant of Uncertain Significance. This variant has not been reported in the literature in individuals affected with TECTA-related conditions. ClinVar contains an entry for this variant (Variation ID: 1314006). Algorithms developed to predict the effect of missense changes on protein structure and function output the following: SIFT: "Deleterious"; PolyPhen-2: "Benign"; Align-GVGD: "Class C0". The asparagine amino acid residue is found in multiple mammalian species, which suggests that this missense change does not adversely affect protein function. This variant is present in population databases (rs369100736, gnomAD 0.002%). This sequence change replaces aspartic acid, which is acidic and polar, with asparagine, which is neutral and polar, at codon 1709 of the TECTA protein (p.Asp1709Asn).

GeneDx
Classification: Uncertain significance. Last evaluated: 2021-01-14. Review status: criteria provided, single submitter. Criteria: GeneDx Variant Classification Process June 2021. Collection method: clinical testing. Allele origin: germline. Affected: yes.
Comment: In silico analysis supports that this missense variant does not alter protein structure/function; Has not been previously published as pathogenic or benign to our knowledge

NM_005422.4(TECTA):c.5125G>A (p.Asp1709Asn)

Genes: TBCEL-TECTA (TBCEL-TECTA readthrough; plus strand), TECTA (tectorin alpha; plus strand). Cytogenetic location: 11q23.3.
Variant type: single nucleotide variant.
Coding change: c.5125G>A on transcript NM_005422.4 (MANE Select); coding-DNA position 5125, G replaced by A.
Protein change: p.Asp1709Asn; replaces aspartic acid 1709 with asparagine.
Molecular consequence: missense variant.
Genome position (GRCh38, 1-based): chr11:121,162,223, G>A. VCF-style: chr11-121162223-G-A. GRCh37 (hg19) VCF-style: chr11-121032932-G-A.
Other names: c.6067G>A, p.Asp2023Asn (NM_001378761.1); short protein forms D1709N, D2023N.
Identifiers: ClinVar variation 1314006 (VCV001314006.9), dbSNP rs369100736, ClinGen allele CA6327656.